The following is an entry in ClinVar:

ClinVar aggregate classification (germline): Uncertain significance (1 of 4 stars; one submission).

Allele frequency attached by ClinVar (database versions not stated): ExAC 0.00001; gnomAD 0.00001 and 0.00003; gnomAD exomes 0.00001; TOPMed 0.00001.
gnomAD v4.1: 15 of 1,613,804 alleles (0.00093%); highest among the groups gnomAD compares: East Asian, 0.0067%; no homozygotes.

Submission:

Labcorp Genetics (formerly Invitae), Labcorp
Classification: Uncertain significance. Last evaluated: 2022-05-16. Review status: criteria provided, single submitter. Criteria: Invitae Variant Classification Sherloc (09022015). Collection method: clinical testing. Allele origin: germline.
Comment: This sequence change replaces tryptophan, which is neutral and slightly polar, with arginine, which is basic and polar, at codon 175 of the GUCA1B protein (p.Trp175Arg). This variant is present in population databases (rs760673864, gnomAD 0.006%). This missense change has been observed in individual(s) with clinical features of retinitis pigmentosa (PMID: 31054281). Algorithms developed to predict the effect of missense changes on protein structure and function are either unavailable or do not agree on the potential impact of this missense change (SIFT: "Tolerated"; PolyPhen-2: "Probably Damaging"; Align-GVGD: "Class C0"). In summary, the available evidence is currently insufficient to determine the role of this variant in disease. Therefore, it has been classified as a Variant of Uncertain Significance.

Literature cited by the submitters: PubMed 31054281.

NM_002098.6(GUCA1B):c.523T>C (p.Trp175Arg)

Gene: GUCA1B (guanylate cyclase activator 1B; minus strand). Cytogenetic location: 6p21.1.
Variant type: single nucleotide variant.
Coding change: c.523T>C on transcript NM_002098.6 (MANE Select); coding-DNA position 523, T replaced by C.
Protein change: p.Trp175Arg; replaces tryptophan 175 with arginine.
Molecular consequence: missense variant.
Genome position (GRCh38, 1-based): chr6:42,184,895, A>G on the plus strand (T>C on the coding strand, the complement: GUCA1B is on the minus strand). VCF-style: chr6-42184895-A-G. GRCh37 (hg19) VCF-style: chr6-42152633-A-G.
Other names: short protein forms W175R.
Identifiers: ClinVar variation 1509115 (VCV001509115.6), dbSNP rs760673864, ClinGen allele CA3805505.